The following is an entry in ClinVar:

NM_020937.4(FANCM):c.5658C>G (p.His1886Gln)

Gene: FANCM (FA complementation group M; plus strand). Cytogenetic location: 14q21.2.
Variant type: single nucleotide variant.
Coding change: c.5658C>G on transcript NM_020937.4 (MANE Select); coding-DNA position 5658, C replaced by G.
Protein change: p.His1886Gln; replaces histidine 1886 with glutamine.
Molecular consequence: missense variant.
Genome position (GRCh38, 1-based): chr14:45,196,489, C>G. VCF-style: chr14-45196489-C-G. GRCh37 (hg19) VCF-style: chr14-45665692-C-G.
Other names: c.5658C>G (NM_020937.2); c.5580C>G, p.His1860Gln (NM_001308133.2); short protein forms H1860Q, H1886Q.
Identifiers: ClinVar variation 1361317 (VCV001361317.9), dbSNP rs1364697360, ClinGen allele CA389586355.

ClinVar aggregate classification (germline): Uncertain significance. Review status: criteria provided, multiple submitters, no conflicts (2 of 4 stars). 3 submissions from 3 submitters: Uncertain significance (3). Last evaluated 2025-03-08.

Conditions:
Inborn genetic diseases. Identifiers: MedGen C0950123, MeSH D030342.
Fanconi anemia (FA). Also called: Fanconi's anemia. Identifiers: Orphanet 84, MedGen C0015625, MeSH D005199, MONDO:0019391.

Submissions (3):

Ambry Genetics
Classification: Uncertain significance for Inborn genetic diseases. Last evaluated: 2025-03-08. Review status: criteria provided, single submitter. Criteria: Ambry Variant Classification Scheme 2023. Collection method: clinical testing. Allele origin: germline.
Comment: The p.H1886Q variant (also known as c.5658C>G), located in coding exon 21 of the FANCM gene, results from a C to G substitution at nucleotide position 5658. The histidine at codon 1886 is replaced by glutamine, an amino acid with highly similar properties. This amino acid position is conserved. In addition, this alteration is predicted to be tolerated by in silico analysis. Based on the available evidence, the clinical significance of this variant remains unclear.

GeneDx
Classification: Uncertain significance. Last evaluated: 2022-10-17. Review status: criteria provided, single submitter. Criteria: GeneDx Variant Classification Process June 2021. Collection method: clinical testing. Allele origin: germline. Affected: yes.
Comment: Not observed at significant frequency in large population cohorts (gnomAD); In silico analysis supports that this missense variant has a deleterious effect on protein structure/function; Has not been previously published as pathogenic or benign to our knowledge

Labcorp Genetics (formerly Invitae), Labcorp
Classification: Uncertain significance for Fanconi anemia. Last evaluated: 2021-06-28. Review status: criteria provided, single submitter. Criteria: Invitae Variant Classification Sherloc (09022015). Collection method: clinical testing. Allele origin: germline.
Comment: This sequence change replaces histidine with glutamine at codon 1886 of the FANCM protein (p.His1886Gln). The histidine residue is weakly conserved and there is a small physicochemical difference between histidine and glutamine. This variant is not present in population databases (ExAC no frequency). This variant has not been reported in the literature in individuals with FANCM-related conditions. Algorithms developed to predict the effect of missense changes on protein structure and function (SIFT, PolyPhen-2, Align-GVGD) all suggest that this variant is likely to be tolerated, but these predictions have not been confirmed by published functional studies and their clinical significance is uncertain. In summary, the available evidence is currently insufficient to determine the role of this variant in disease. Therefore, it has been classified as a Variant of Uncertain Significance.